The following is an entry in ClinVar:

ClinVar aggregate classification (germline): Uncertain significance (1 of 4 stars; one submission).

Allele frequency attached by ClinVar (database versions not stated): gnomAD 0.00001.
gnomAD v4.1: 4 of 1,613,228 alleles (0.00025%); highest among the groups gnomAD compares: African/African-American, 0.0013%; no homozygotes.

Submission:

Ambry Genetics
Classification: Uncertain significance. Last evaluated: 2022-05-26. Review status: criteria provided, single submitter. Criteria: Ambry Variant Classification Scheme 2023. Collection method: clinical testing. Allele origin: germline.
Comment: The p.P514S variant (also known as c.1540C>T), located in coding exon 10 of the POLQ gene, results from a C to T substitution at nucleotide position 1540. The proline at codon 514 is replaced by serine, an amino acid with similar properties. This amino acid position is conserved. In addition, the in silico prediction for this alteration is inconclusive. Since supporting evidence is limited at this time, the clinical significance of this alteration remains unclear.

NM_199420.4(POLQ):c.1540C>T (p.Pro514Ser)

Gene: POLQ (DNA polymerase theta; minus strand). Cytogenetic location: 3q13.33.
Variant type: single nucleotide variant.
Coding change: c.1540C>T on transcript NM_199420.4 (MANE Select); coding-DNA position 1540, C replaced by T.
Protein change: p.Pro514Ser; replaces proline 514 with serine.
Molecular consequence: missense variant.
Genome position (GRCh38, 1-based): chr3:121,511,958, G>A on the plus strand (C>T on the coding strand, the complement: POLQ is on the minus strand). VCF-style: chr3-121511958-G-A. GRCh37 (hg19) VCF-style: chr3-121230805-G-A.
Other names: short protein forms P514S.
Identifiers: ClinVar variation 1774839 (VCV001774839.2), dbSNP rs1576422202, ClinGen allele CA354116169.